The following is an entry in ClinVar:

ClinVar aggregate classification (germline): Uncertain significance. Review status: criteria provided, multiple submitters, no conflicts (2 of 4 stars). 3 submissions from 2 submitters: Uncertain significance (3). Last evaluated 2023-07-26.

Conditions:
Irido-corneo-trabecular dysgenesis (ASGD5). Also called: ANTERIOR SEGMENT DYSGENESIS 5. Identifiers: Orphanet 708, MedGen C0344559, MONDO:0011414, OMIM 604229, HP:0000659.
Glaucoma 3A. Also called: Glaucoma 3, primary congenital, A. Identifiers: Orphanet 98976, Orphanet 98977, MedGen C1856439, MONDO:0009277, OMIM 231300.

Allele frequency attached by ClinVar (database versions not stated): gnomAD exomes below 0.00001 and 0.00001; TOPMed 0.00001.

Submissions (3):

Women's Health and Genetics/Laboratory Corporation of America, LabCorp
Classification: Uncertain significance. Last evaluated: 2023-07-26. Review status: criteria provided, single submitter. Criteria: LabCorp Variant Classification Summary - May 2015. Collection method: clinical testing. Allele origin: germline.
Comment: Variant summary: CYP1B1 c.277C>T (p.Pro93Ser) results in a non-conservative amino acid change in the encoded protein sequence. Four of five in-silico tools predict a benign effect of the variant on protein function. The variant allele was found at a frequency of 5.2e-06 in 193296 control chromosomes. The available data on variant occurrences in the general population are insufficient to allow any conclusion about variant significance. c.277C>T has been reported in the literature in at least one individual affected with Primary Congenital Glaucoma (e.g., Gong_2015). However, this report does not provide unequivocal conclusions about association of the variant with Primary Congenital Glaucoma. To our knowledge, no experimental evidence demonstrating an impact on protein function has been reported. The following publication has been ascertained in the context of this evaluation (PMID: 25527694). One submitter has cited clinical-significance assessments for this variant to ClinVar after 2014 and has classified the variant as uncertain significance. Based on the evidence outlined above, the variant was classified as uncertain significance.

Illumina Laboratory Services, Illumina
Classification: Uncertain significance for Irido-corneo-trabecular dysgenesis. Last evaluated: 2017-04-27. Review status: criteria provided, single submitter. Criteria: ICSL Variant Classification Criteria 13 December 2019. Collection method: clinical testing. Allele origin: germline.

Illumina Laboratory Services, Illumina
Classification: Uncertain significance for Glaucoma 3A. Last evaluated: 2017-04-27. Review status: criteria provided, single submitter. Criteria: ICSL Variant Classification Criteria 13 December 2019. Collection method: clinical testing. Allele origin: germline.
Comment: This variant was observed as part of a predisposition screen in an ostensibly healthy population. A literature search was performed for the gene, cDNA change, and amino acid change (where applicable). Publications were found based on this search. However, the evidence from the literature, in combination with allele frequency data from public databases where available, was not sufficient to rule this variant in or out of causing disease. Therefore, this variant is classified as a variant of unknown significance.

Literature cited by the submitters: PubMed 25527694 (cited by Women's Health and Genetics/Laboratory Corporation of America, LabCorp and Illumina Laboratory Services, Illumina).

NM_000104.4(CYP1B1):c.277C>T (p.Pro93Ser)

Gene: CYP1B1 (cytochrome P450 family 1 subfamily B member 1; minus strand). Cytogenetic location: 2p22.2.
Variant type: single nucleotide variant.
Coding change: c.277C>T on transcript NM_000104.4 (MANE Select); coding-DNA position 277, C replaced by T.
Protein change: p.Pro93Ser; replaces proline 93 with serine.
Molecular consequence: missense variant.
Genome position (GRCh38, 1-based): chr2:38,075,112, G>A on the plus strand (C>T on the coding strand, the complement: CYP1B1 is on the minus strand). VCF-style: chr2-38075112-G-A. GRCh37 (hg19) VCF-style: chr2-38302255-G-A.
Other names: short protein forms P93S.
Identifiers: ClinVar variation 895384 (VCV000895384.5), dbSNP rs1156997078, ClinGen allele CA346329573.